The following is an entry in ClinVar:

NM_007294.4(BRCA1):c.5269G>C (p.Asp1757His)

Gene: BRCA1 (BRCA1 DNA repair associated; minus strand). Cytogenetic location: 17q21.31.
Variant type: single nucleotide variant.
Coding change: c.5269G>C on transcript NM_007294.4 (MANE Select); coding-DNA position 5269, G replaced by C.
Protein change: p.Asp1757His; replaces aspartic acid 1757 with histidine.
Molecular consequence: missense variant. On other transcripts: non-coding transcript variant (1).
Genome position (GRCh38, 1-based): chr17:43,057,060, C>G on the plus strand (G>C on the coding strand, the complement: BRCA1 is on the minus strand). VCF-style: chr17-43057060-C-G. GRCh37 (hg19) VCF-style: chr17-41209077-C-G.
Other names: c.5056G>C, p.Asp1686His (NM_001407571.1, NM_001407894.1, NM_001407895.1 and 12 more transcripts); c.5335G>C, p.Asp1779His (NM_001407581.1, NM_001407582.1); c.5332G>C, p.Asp1778His (NM_001407583.1, NM_001407585.1, NM_001407587.1 and 1 more transcripts); c.5329G>C, p.Asp1777His (NM_001407590.1, NM_001407591.1); c.5269G>C, p.Asp1757His (NM_001407593.1, NM_001407594.1, NM_001407596.1 and 7 more transcripts); c.5266G>C, p.Asp1756His (NM_001407610.1, NM_001407611.1, NM_001407612.1 and 17 more transcripts); c.5263G>C, p.Asp1755His (NM_001407627.1, NM_001407628.1, NM_001407629.1 and 14 more transcripts); c.5260G>C, p.Asp1754His (NM_001407644.1, NM_001407645.1); and 72 more; short protein forms D1757H, D1710H, D1778H, D653H, D1460H, D1603H, D1628H, D1668H.
Identifiers: ClinVar variation 216674 (VCV000216674.16), dbSNP rs863224764, ClinGen allele CA337215.

ClinVar aggregate classification (germline): Conflicting classifications of pathogenicity. Review status: criteria provided, conflicting classifications (1 of 4 stars). 3 submissions from 3 submitters: Uncertain significance (2); Likely benign (1). Last evaluated 2021-01-15.

Conditions:
Hereditary breast ovarian cancer syndrome. Also called: Breast and ovarian cancer; Hereditary breast and ovarian cancer; Hereditary breast and ovarian cancer syndrome; Hereditary breast and/or ovarian cancer syndrome; BRCA1- and BRCA2-Associated Hereditary Breast and Ovarian Cancer; Hereditary breast and ovarian cancer syndrome (HBOC). Identifiers: Orphanet 145, MedGen C0677776, MeSH D061325, MONDO:0003582. Disease mechanism: loss of function.
Hereditary cancer-predisposing syndrome. Also called: Tumor predisposition; Hereditary Cancer Syndrome; Neoplastic Syndromes, Hereditary; Hereditary neoplastic syndrome. Identifiers: Orphanet 140162, MedGen C0027672, MeSH D009386, MONDO:0015356.

Allele frequency attached by ClinVar (database versions not stated): gnomAD exomes below 0.00001.
gnomAD v4.1: 1 of 1,613,962 alleles (0.000062%); highest among the groups gnomAD compares: Non-Finnish European, 0.000085%; no homozygotes.

Submissions (4):

Ambry Genetics
Classification: Likely benign for Hereditary cancer-predisposing syndrome. Last evaluated: 2021-01-15. Review status: criteria provided, single submitter. Criteria: Ambry Variant Classification Scheme 2023. Collection method: clinical testing. Allele origin: germline.

Color Diagnostics, LLC DBA Color Health
Classification: Uncertain significance for Hereditary cancer-predisposing syndrome. Last evaluated: 2019-05-07. Review status: criteria provided, single submitter. Criteria: ACMG Guidelines, 2015. Collection method: clinical testing. Allele origin: germline.

Labcorp Genetics (formerly Invitae), Labcorp
Classification: Uncertain significance for Hereditary breast ovarian cancer syndrome. Last evaluated: 2015-06-24. Review status: criteria provided, single submitter. Criteria: Invitae Variant Classification Sherloc (09022015). Collection method: clinical testing. Allele origin: germline.
Comment: This sequence change replaces aspartic acid with histidine at codon 1757 of the BRCA1 protein (p.Asp1757His). The aspartic acid residue is moderately conserved and there is a moderate physicochemical difference between aspartic acid and histidine. This variant has not been published in the literature and is not present in population databases. Algorithms developed to predict the effect of missense changes on protein structure and function do not agree on the potential impact of this missense change (SIFT: "Tolerated"; PolyPhen-2: "Possibly Damaging"; Align-GVGD: "Class C0"). In summary, this is a novel missense change with uncertain impact on protein function. It has been classified as a Variant of Uncertain Significance.

Brotman Baty Institute, University of Washington
No classification provided (evidence only). Condition: Breast-ovarian cancer, familial 1. Review status: no classification provided. Collection method: in vitro. Allele origin: not applicable. Functional consequence: functionally_normal. Not counted in ClinVar's aggregate classification.
ClinVar note: "not provided" was previously submitted as the classification for the variant. However, the classification appeared to be based only on an observation of functional data so it was converted to no classification on 2025-07-30.

Literature cited by the submitters: PubMed 30209399 (cited by Ambry Genetics).